The following is an entry in ClinVar:

NM_001291303.3(FAT4):c.4944G>A (p.Val1648=)

Gene: FAT4 (FAT atypical cadherin 4; plus strand). Cytogenetic location: 4q28.1.
Variant type: single nucleotide variant.
Coding change: c.4944G>A on transcript NM_001291303.3 (MANE Select); coding-DNA position 4944, G replaced by A.
Protein change: p.Val1648=; no amino-acid change (valine 1648 retained).
Molecular consequence: synonymous variant.
Genome position (GRCh38, 1-based): chr4:125,321,355, G>A. VCF-style: chr4-125321355-G-A. GRCh37 (hg19) VCF-style: chr4-126242510-G-A.
Other names: c.4944G>A, p.Val1648= (NM_001291285.3, NM_024582.6).
Identifiers: ClinVar variation 1971926 (VCV001971926.6), dbSNP rs771297547, ClinGen allele CA441368726.

ClinVar aggregate classification (germline): Likely benign. Review status: criteria provided, multiple submitters, no conflicts (2 of 4 stars). 2 submissions from 2 submitters: Likely benign (2). Last evaluated 2023-11-02.

Allele frequency attached by ClinVar (database versions not stated): gnomAD exomes below 0.00001; TOPMed below 0.00001.
gnomAD v4.1: 4 of 1,614,144 alleles (0.00025%); highest among the groups gnomAD compares: Admixed American, 0.0033%; no homozygotes.

Submissions (2):

Women's Health and Genetics/Laboratory Corporation of America, LabCorp
Classification: Likely benign. Last evaluated: 2023-11-02. Review status: criteria provided, single submitter. Criteria: LabCorp Variant Classification Summary - May 2015. Collection method: clinical testing. Allele origin: germline.
Comment: Variant summary: FAT4 c.4944G>A alters anon-conserved nucleotide resulting in a synonymous change. Consensus agreement among computation tools predict no significant impact on normal splicing. However, these predictions have yet to be confirmed by functional studies. The variant allele was found at a frequency of 8e-06 in 249478 control chromosomes (gnomAD). The available data on variant occurrences in the general population are insufficient to allow any conclusion about variant significance. To our knowledge, no occurrence of c.4944G>A in individuals affected with FAT4-Related Disorders and no experimental evidence demonstrating its impact on protein function have been reported. One submitter has cited clinical-significance assessments for this variant to ClinVar after 2014 and has classified the variant as likely benign. Based on the evidence outlined above, the variant was classified as likely benign.

Labcorp Genetics (formerly Invitae), Labcorp
Classification: Likely benign. Last evaluated: 2022-10-01. Review status: criteria provided, single submitter. Criteria: Invitae Variant Classification Sherloc (09022015). Collection method: clinical testing. Allele origin: germline.